The following is an entry in ClinVar:

NM_001105206.3(LAMA4):c.3677G>A (p.Gly1226Glu)

Gene: LAMA4 (laminin subunit alpha 4; minus strand). Cytogenetic location: 6q21.
Variant type: single nucleotide variant.
Coding change: c.3677G>A on transcript NM_001105206.3 (MANE Select); coding-DNA position 3677, G replaced by A.
Protein change: p.Gly1226Glu; replaces glycine 1226 with glutamic acid.
Molecular consequence: missense variant.
Genome position (GRCh38, 1-based): chr6:112,133,368, C>T on the plus strand (G>A on the coding strand, the complement: LAMA4 is on the minus strand). VCF-style: chr6-112133368-C-T. GRCh37 (hg19) VCF-style: chr6-112454570-C-T.
Other names: c.3656G>A, p.Gly1219Glu (NM_001105207.3, NM_002290.5); short protein forms G1219E, G1226E.
Identifiers: ClinVar variation 5023475 (VCV005023475.1).

ClinVar aggregate classification (germline): Uncertain significance (1 of 4 stars; one submission).

Conditions:
Cardiovascular phenotype. Identifiers: MedGen CN230736.

Submission:

Ambry Genetics
Classification: Uncertain significance for Cardiovascular phenotype. Last evaluated: 2026-09-07. Review status: criteria provided, single submitter. Criteria: Ambry Variant Classification Scheme 2023. Collection method: clinical testing. Allele origin: germline.
Comment: The p.G1219E variant (also known as c.3656G>A), located in coding exon 26 of the LAMA4 gene, results from a G to A substitution at nucleotide position 3656. The glycine at codon 1219 is replaced by glutamic acid, an amino acid with similar properties. This amino acid position is conserved. In addition, this alteration is predicted to be deleterious by in silico analysis. Based on the available evidence, the clinical significance of this variant remains unclear.